The following is an entry in ClinVar:

NM_006662.3(SRCAP):c.6055C>T (p.Arg2019Cys)

Gene: SRCAP (Snf2 related CREBBP activator protein; plus strand). Cytogenetic location: 16p11.2.
Variant type: single nucleotide variant.
Coding change: c.6055C>T on transcript NM_006662.3 (MANE Select); coding-DNA position 6055, C replaced by T.
Protein change: p.Arg2019Cys; replaces arginine 2019 with cysteine.
Molecular consequence: missense variant.
Genome position (GRCh38, 1-based): chr16:30,729,500, C>T. VCF-style: chr16-30729500-C-T. GRCh37 (hg19) VCF-style: chr16-30740821-C-T.
Other names: short protein forms R2019C.
Identifiers: ClinVar variation 2988677 (VCV002988677.2), dbSNP rs762148278, ClinGen allele CA8012136.

ClinVar aggregate classification (germline): Uncertain significance (1 of 4 stars; one submission).

Allele frequency attached by ClinVar (database versions not stated): TOPMed below 0.00001; ExAC 0.00004.
gnomAD v4.1: 17 of 1,614,180 alleles (0.0011%); highest among the groups gnomAD compares: Non-Finnish European, 0.0012%; no homozygotes.

Submission:

Labcorp Genetics (formerly Invitae), Labcorp
Classification: Uncertain significance. Last evaluated: 2024-02-06. Review status: criteria provided, single submitter. Criteria: Invitae Variant Classification Sherloc (09022015). Collection method: clinical testing. Allele origin: germline.
Comment: This sequence change replaces arginine, which is basic and polar, with cysteine, which is neutral and slightly polar, at codon 2019 of the SRCAP protein (p.Arg2019Cys). This variant is present in population databases (rs762148278, gnomAD 0.004%). This variant has not been reported in the literature in individuals affected with SRCAP-related conditions. Advanced modeling of protein sequence and biophysical properties (such as structural, functional, and spatial information, amino acid conservation, physicochemical variation, residue mobility, and thermodynamic stability) performed at Invitae indicates that this missense variant is not expected to disrupt SRCAP protein function with a negative predictive value of 80%. In summary, the available evidence is currently insufficient to determine the role of this variant in disease. Therefore, it has been classified as a Variant of Uncertain Significance.